The following is an entry in ClinVar:

NM_015335.5(MED13L):c.4106G>C (p.Gly1369Ala)

Gene: MED13L (mediator complex subunit 13L; minus strand). Cytogenetic location: 12q24.21.
Variant type: single nucleotide variant.
Coding change: c.4106G>C on transcript NM_015335.5 (MANE Select); coding-DNA position 4106, G replaced by C.
Protein change: p.Gly1369Ala; replaces glycine 1369 with alanine.
Molecular consequence: missense variant.
Genome position (GRCh38, 1-based): chr12:115,987,117, C>G on the plus strand (G>C on the coding strand, the complement: MED13L is on the minus strand). VCF-style: chr12-115987117-C-G. GRCh37 (hg19) VCF-style: chr12-116424922-C-G.
Other names: short protein forms G1369A.
Identifiers: ClinVar variation 843633 (VCV000843633.8), dbSNP rs1877746863, ClinGen allele CA386885093.
Genomic context (GRCh38, chr12:115,987,117, plus strand): 5'-CACTGAACAGCACTGAAGTCAGAAGGAATTTTAAACAGGACAAAGACCCTACCGTAGGTT[C>G]CCCGTCCTGCCATTTTATGGAACTGCTGCCAAGTGAGTGGTCCCTGCACATGCTGGATGT-3'
Protein context (NP_056150.1, residues 1359-1379): WQQFHKMAGR[Gly1369Ala]TYGSEESPEP

ClinVar aggregate classification (germline): Uncertain significance (1 of 4 stars; one submission).

Conditions:
Dextro-looped transposition of the great arteries. Also called: Dextrotransposition of the great arteries. Identifiers: Orphanet 860, MedGen C3531771, MONDO:0019443, OMIM 608808, HP:0031348.

Submission:

Labcorp Genetics (formerly Invitae), Labcorp
Classification: Uncertain significance for Dextro-looped transposition of the great arteries. Last evaluated: 2022-07-05. Review status: criteria provided, single submitter. Criteria: Invitae Variant Classification Sherloc (09022015). Collection method: clinical testing. Allele origin: germline.
Comment: Advanced modeling of protein sequence and biophysical properties (such as structural, functional, and spatial information, amino acid conservation, physicochemical variation, residue mobility, and thermodynamic stability) performed at Invitae indicates that this missense variant is expected to disrupt MED13L protein function. In summary, the available evidence is currently insufficient to determine the role of this variant in disease. Therefore, it has been classified as a Variant of Uncertain Significance. ClinVar contains an entry for this variant (Variation ID: 843633). This variant has not been reported in the literature in individuals affected with MED13L-related conditions. This variant is not present in population databases (gnomAD no frequency). This sequence change replaces glycine, which is neutral and non-polar, with alanine, which is neutral and non-polar, at codon 1369 of the MED13L protein (p.Gly1369Ala).